The following is an entry in ClinVar:

NM_000138.5(FBN1):c.1147G>T (p.Glu383Ter)

Genes: FBN1 (fibrillin 1; minus strand), LOC113939944 (Sharpr-MPRA regulatory region 9539; plus strand). Cytogenetic location: 15q21.1.
Variant type: single nucleotide variant.
Coding change: c.1147G>T on transcript NM_000138.5 (MANE Select); coding-DNA position 1147, G replaced by T.
Protein change: p.Glu383Ter; replaces glutamic acid 383 with a stop codon.
Molecular consequence: nonsense.
Genome position (GRCh38, 1-based): chr15:48,520,659, C>A on the plus strand (G>T on the coding strand, the complement: FBN1 is on the minus strand). VCF-style: chr15-48520659-C-A. GRCh37 (hg19) VCF-style: chr15-48812856-C-A.
Other names: p.Glu383*; short protein forms E383*.
Identifiers: ClinVar variation 931435 (VCV000931435.7), dbSNP rs794728325, ClinGen allele CA392346990.

ClinVar aggregate classification (germline): Pathogenic. Review status: criteria provided, multiple submitters, no conflicts (2 of 4 stars). 4 submissions from 4 submitters: Pathogenic (4). Last evaluated 2023-06-22.

Conditions:
Familial thoracic aortic aneurysm and aortic dissection (TAAD). Also called: Thoracic aortic aneurysms and dissections. Identifiers: Orphanet 91387, MedGen C4707243, MONDO:0019625.
FBN1-related disorder. Also called: FBN1-related disorders.
Progeroid and marfanoid aspect-lipodystrophy syndrome. Also called: MARFANOID-PROGEROID SYNDROME; MARFAN-PROGEROID-LIPODYSTROPHY SYNDROME; Marfan lipodystrophy syndrome; MARFANOID-PROGEROID-LIPODYSTROPHY SYNDROME. Identifiers: Orphanet 300382, MedGen C4310796, MONDO:0014831, OMIM 616914.

Submissions (4):

Blueprint Genetics
Classification: Pathogenic for FBN1-related disorders. Last evaluated: 2023-06-22. Review status: criteria provided, single submitter. Criteria: ACMG Guidelines, 2015. Collection method: clinical testing. Allele origin: germline. Affected: yes. Observed: 2 variant alleles.

Mayo Clinic Laboratories, Mayo Clinic
Classification: Pathogenic. Last evaluated: 2023-01-31. Review status: criteria provided, single submitter. Criteria: ACMG Guidelines, 2015. Collection method: clinical testing. Allele origin: germline. Observed: 1 variant allele.
Comment: PM2_supporting, PS4_supporting, PVS1

Ambry Genetics
Classification: Pathogenic for Familial thoracic aortic aneurysm and aortic dissection. Last evaluated: 2021-04-01. Review status: criteria provided, single submitter. Criteria: Ambry Variant Classification Scheme 2023. Collection method: clinical testing. Allele origin: germline.
Comment: The p.E383* pathogenic mutation (also known as c.1147G>T), located in coding exon 9 of the FBN1 gene, results from a G to T substitution at nucleotide position 1147. This changes the amino acid from a glutamic acid to a stop codon within coding exon 9. This alteration is expected to result in loss of function by premature protein truncation or nonsense-mediated mRNA decay. As such, this alteration is interpreted as a disease-causing mutation.

Centre for Mendelian Genomics, University Medical Centre Ljubljana
Classification: Pathogenic for Progeroid and marfanoid aspect-lipodystrophy syndrome. Last evaluated: 2016-01-01. Review status: criteria provided, single submitter. Criteria: ACMG Guidelines, 2015. Collection method: clinical testing. Allele origin: unknown. Affected: yes.
Comment: This variant was classified as: Pathogenic. The following ACMG criteria were applied in classifying this variant: PVS1,PM2,PP3.